The following is an entry in ClinVar:

ClinVar aggregate classification (germline): Uncertain significance (1 of 4 stars; one submission).

Conditions:
Joubert syndrome. Also called: CEREBELLOPARENCHYMAL DISORDER IV; JOUBERT-BOLTSHAUSER SYNDROME; Familial aplasia of the vermis. Identifiers: Orphanet 475, MedGen C5979921, MONDO:0018772.
Meckel-Gruber syndrome. Also called: DYSENCEPHALIA SPLANCHNOCYSTICA; GRUBER SYNDROME; Dysencephalia splachnocystica. Identifiers: Orphanet 564, MedGen C0265215, MONDO:0018921.

Submission:

Labcorp Genetics (formerly Invitae), Labcorp
Classification: Uncertain significance for Joubert syndrome; Meckel-Gruber syndrome. Last evaluated: 2021-12-21. Review status: criteria provided, single submitter. Criteria: Invitae Variant Classification Sherloc (09022015). Collection method: clinical testing. Allele origin: germline.
Comment: In summary, the available evidence is currently insufficient to determine the role of this variant in disease. Therefore, it has been classified as a Variant of Uncertain Significance. Advanced modeling of protein sequence and biophysical properties (such as structural, functional, and spatial information, amino acid conservation, physicochemical variation, residue mobility, and thermodynamic stability) performed at Invitae indicates that this missense variant is expected to disrupt TMEM67 protein function. This variant has not been reported in the literature in individuals affected with TMEM67-related conditions. This variant is not present in population databases (gnomAD no frequency). This sequence change replaces threonine, which is neutral and polar, with isoleucine, which is neutral and non-polar, at codon 478 of the TMEM67 protein (p.Thr478Ile).

NM_153704.6(TMEM67):c.1433C>T (p.Thr478Ile)

Gene: TMEM67 (transmembrane protein 67; plus strand). Cytogenetic location: 8q22.1.
Variant type: single nucleotide variant.
Coding change: c.1433C>T on transcript NM_153704.6 (MANE Select); coding-DNA position 1433, C replaced by T.
Protein change: p.Thr478Ile; replaces threonine 478 with isoleucine.
Molecular consequence: missense variant. On other transcripts: non-coding transcript variant (1).
Genome position (GRCh38, 1-based): chr8:93,787,864, C>T. VCF-style: chr8-93787864-C-T. GRCh37 (hg19) VCF-style: chr8-94800092-C-T.
Other names: c.1190C>T, p.Thr397Ile (NM_001142301.1); short protein forms T478I, T397I.
Identifiers: ClinVar variation 1980724 (VCV001980724.4), dbSNP rs766043331, ClinGen allele CA371690016.
Genomic context (GRCh38, chr8:93,787,864, plus strand): 5'-GGATATACTGATTACTATAAATGCATTTTCTTTTAAATAGTGTCCACCTTGTACCCAACA[C>T]AATAAATGGAAACATCTACCCTCCCTTAATCACCATTGCCTACAGTGACATTGATATCAA-3'
Protein context (NP_714915.3, residues 468-488): ISLSVHLVPN[Thr478Ile]INGNIYPPLI